The following is an entry in ClinVar:

NM_198965.2(PTHLH):c.181C>T (p.His61Tyr)

Gene: PTHLH (parathyroid hormone like hormone; minus strand). Cytogenetic location: 12p11.22.
Variant type: single nucleotide variant.
Coding change: c.181C>T on transcript NM_198965.2 (MANE Select); coding-DNA position 181, C replaced by T.
Protein change: p.His61Tyr; replaces histidine 61 with tyrosine.
Molecular consequence: missense variant.
Genome position (GRCh38, 1-based): chr12:27,963,691, G>A on the plus strand (C>T on the coding strand, the complement: PTHLH is on the minus strand). VCF-style: chr12-27963691-G-A. GRCh37 (hg19) VCF-style: chr12-28116624-G-A.
Other names: c.181C>T, p.His61Tyr (NM_002820.3, NM_198964.2, NM_198966.2); short protein forms H61Y.
Identifiers: ClinVar variation 1504734 (VCV001504734.6), dbSNP rs2120633255, ClinGen allele CA384339472.

ClinVar aggregate classification (germline): Uncertain significance (1 of 4 stars; one submission).

Allele frequency attached by ClinVar (database versions not stated): gnomAD exomes below 0.00001.
gnomAD v4.1: 1 of 1,613,610 alleles (0.000062%); no homozygotes.

Submission:

Labcorp Genetics (formerly Invitae), Labcorp
Classification: Uncertain significance. Last evaluated: 2025-01-27. Review status: criteria provided, single submitter. Criteria: Invitae Variant Classification Sherloc (09022015). Collection method: clinical testing. Allele origin: germline.
Comment: This sequence change replaces histidine, which is basic and polar, with tyrosine, which is neutral and polar, at codon 61 of the PTHLH protein (p.His61Tyr). This variant is not present in population databases (gnomAD no frequency). This variant has not been reported in the literature in individuals affected with PTHLH-related conditions. ClinVar contains an entry for this variant (Variation ID: 1504734). An algorithm developed to predict the effect of missense changes on protein structure and function (PolyPhen-2) suggests that this variant is likely to be disruptive. In summary, the available evidence is currently insufficient to determine the role of this variant in disease. Therefore, it has been classified as a Variant of Uncertain Significance.